The following is an entry in ClinVar:

ClinVar aggregate classification (germline): Uncertain significance (1 of 4 stars; one submission).

gnomAD v4.1: 3 of 1,613,736 alleles (0.00019%); highest among the groups gnomAD compares: Non-Finnish European, 0.00025%; no homozygotes.

Submission:

Labcorp Genetics (formerly Invitae), Labcorp
Classification: Uncertain significance. Last evaluated: 2024-01-21. Review status: criteria provided, single submitter. Criteria: Invitae Variant Classification Sherloc (09022015). Collection method: clinical testing. Allele origin: germline.
Comment: This sequence change replaces threonine, which is neutral and polar, with alanine, which is neutral and non-polar, at codon 765 of the ADGRA3 protein (p.Thr765Ala). This variant is not present in population databases (gnomAD no frequency). This variant has not been reported in the literature in individuals affected with ADGRA3-related conditions. Algorithms developed to predict the effect of missense changes on protein structure and function output the following: SIFT: "Not Available"; PolyPhen-2: "Benign"; Align-GVGD: "Not Available". The alanine amino acid residue is found in multiple mammalian species, which suggests that this missense change does not adversely affect protein function. In summary, the available evidence is currently insufficient to determine the role of this variant in disease. Therefore, it has been classified as a Variant of Uncertain Significance.

NM_145290.4(ADGRA3):c.2293A>G (p.Thr765Ala)

Gene: ADGRA3 (adhesion G protein-coupled receptor A3; minus strand). Cytogenetic location: 4p15.2.
Variant type: single nucleotide variant.
Coding change: c.2293A>G on transcript NM_145290.4 (MANE Select); coding-DNA position 2293, A replaced by G.
Protein change: p.Thr765Ala; replaces threonine 765 with alanine.
Molecular consequence: missense variant.
Genome position (GRCh38, 1-based): chr4:22,402,739, T>C on the plus strand (A>G on the coding strand, the complement: ADGRA3 is on the minus strand). VCF-style: chr4-22402739-T-C. GRCh37 (hg19) VCF-style: chr4-22404362-T-C.
Other names: short protein forms T765A.
Identifiers: ClinVar variation 3671919 (VCV003671919.2).